The following is an entry in ClinVar:

ClinVar aggregate classification (germline): Benign. Review status: criteria provided, multiple submitters, no conflicts (2 of 4 stars). 2 submissions from 2 submitters: Benign (2). Last evaluated 2021-04-13.

Conditions:
Focal segmental glomerulosclerosis 5 (FSGS5). Identifiers: Orphanet 656, MedGen C2750475, MONDO:0013191, OMIM 613237.

Allele frequency attached by ClinVar (database versions not stated): gnomAD below 0.00001 and 0.00009; TOPMed 0.00003; gnomAD exomes 0.00016 and 0.00040; 1000 Genomes Project 0.00020; 1000 Genomes Project 30x 0.00031; ExAC 0.00044.
gnomAD v4.1: 253 of 1,612,908 alleles (0.016%); highest among the groups gnomAD compares: South Asian, 0.26%; 2 homozygotes.

Submissions (2):

GeneDx
Classification: Benign. Last evaluated: 2021-04-13. Review status: criteria provided, single submitter. Criteria: GeneDx Variant Classification Process June 2021. Collection method: clinical testing. Allele origin: germline. Affected: yes.

Illumina Laboratory Services, Illumina
Classification: Benign for Focal segmental glomerulosclerosis 5. Last evaluated: 2018-01-13. Review status: criteria provided, single submitter. Criteria: ICSL Variant Classification Criteria 13 December 2019. Collection method: clinical testing. Allele origin: germline.
Comment: This variant was observed in the ICSL laboratory as part of a predisposition screen in an ostensibly healthy population. It had not been previously curated by ICSL or reported in the Human Gene Mutation Database (HGMD: prior to June 1st, 2018), and was therefore a candidate for classification through an automated scoring system. Utilizing variant allele frequency, disease prevalence and penetrance estimates, and inheritance mode, an automated score was calculated to assess if this variant is too frequent to cause the disease. Based on the score and internal cut-off values, a variant classified as benign is not then subjected to further curation. The score for this variant resulted in a classification of benign for this disease.

NM_022489.4(INF2):c.*25A>G

Gene: INF2 (inverted formin 2; plus strand). Cytogenetic location: 14q32.33.
Variant type: single nucleotide variant.
Coding change: c.*25A>G on transcript NM_022489.4 (MANE Select); 25 bases downstream of the stop codon, A replaced by G.
Molecular consequence: 3 prime UTR variant. On other transcripts: missense variant (1).
Genome position (GRCh38, 1-based): chr14:104,718,818, A>G. VCF-style: chr14-104718818-A-G. GRCh37 (hg19) VCF-style: chr14-105185155-A-G.
Other names: c.3718A>G, p.Lys1240Glu (NM_001031714.4); short protein forms K1240E.
Identifiers: ClinVar variation 312715 (VCV000312715.7), dbSNP rs541048885, ClinGen allele CA7373445.